The following is an entry in ClinVar:

NM_000539.3(RHO):c.505G>A (p.Ala169Thr)

Gene: RHO (rhodopsin; plus strand). Cytogenetic location: 3q22.1.
Variant type: single nucleotide variant.
Coding change: c.505G>A on transcript NM_000539.3 (MANE Select); coding-DNA position 505, G replaced by A.
Protein change: p.Ala169Thr; replaces alanine 169 with threonine.
Molecular consequence: missense variant.
Genome position (GRCh38, 1-based): chr3:129,531,019, G>A. VCF-style: chr3-129531019-G-A. GRCh37 (hg19) VCF-style: chr3-129249862-G-A.
Other names: short protein forms A169T.
Identifiers: ClinVar variation 1015789 (VCV001015789.13), dbSNP rs377687329, ClinGen allele CA2607177.

ClinVar aggregate classification (germline): Uncertain significance. Review status: criteria provided, multiple submitters, no conflicts (2 of 4 stars). 4 submissions from 4 submitters: Uncertain significance (3). 1 of the submissions does not count toward it. Last evaluated 2026-04-22.

Conditions:
Retinal dystrophy. Also called: Inherited retinal dystrophy. Identifiers: Orphanet 71862, MedGen C0854723, MeSH D058499, MONDO:0019118, HP:0000556.
RHO-related disorder. Also called: RHO-related condition.

Allele frequency attached by ClinVar (database versions not stated): ExAC 0.00002; gnomAD exomes 0.00002 and 0.00003; gnomAD 0.00005 and 0.00006; ESP Exome Variant Server 0.00008; TOPMed 0.00009.
gnomAD v4.1: 40 of 1,613,890 alleles (0.0025%); highest among the groups gnomAD compares: Admixed American, 0.0083%; no homozygotes.

Submissions (4):

PreventionGenetics, part of Exact Sciences
Classification: Uncertain significance for RHO-related condition. Last evaluated: 2026-04-22. Review status: criteria provided, single submitter. Criteria: ACMG Guidelines, 2015. Collection method: clinical testing. Allele origin: germline.
Comment: The RHO c.505G>A variant is predicted to result in the amino acid substitution p.Ala169Thr. To our knowledge, this variant has not been reported in the literature. An alternate substitution of this amino acid (p.Ala169Pro) has been reported as segregating with disease in a kindred with autosomal dominant retinitis pigmentosa (Pan et al. 2012. PubMed ID: 23288993). A functional study of the p.Ala169Pro variant found it significantly decreased cell surface expression of the RHO protein (Wan et al. 2019. PubMed ID: 30977563). This c.505G>A (p.Ala169Thr) variant is present in 0.0085% of alleles in individuals of Latino descent in gnomAD. At this time, the clinical significance of this variant is uncertain due to the absence of conclusive functional and genetic evidence.

Labcorp Genetics (formerly Invitae), Labcorp
Classification: Uncertain significance. Last evaluated: 2025-09-02. Review status: criteria provided, single submitter. Criteria: Invitae Variant Classification Sherloc (09022015). Collection method: clinical testing. Allele origin: germline.
Comment: This sequence change replaces alanine, which is neutral and non-polar, with threonine, which is neutral and polar, at codon 169 of the RHO protein (p.Ala169Thr). This variant is present in population databases (rs377687329, gnomAD 0.009%). This variant has not been reported in the literature in individuals affected with RHO-related conditions. ClinVar contains an entry for this variant (Variation ID: 1015789). Invitae Evidence Modeling of protein sequence and biophysical properties (such as structural, functional, and spatial information, amino acid conservation, physicochemical variation, residue mobility, and thermodynamic stability) indicates that this missense variant is not expected to disrupt RHO protein function with a negative predictive value of 95%. This variant disrupts the p.Ala169 amino acid residue in RHO. Other variant(s) that disrupt this residue have been determined to be pathogenic (PMID: 23288993). This suggests that this residue is clinically significant, and that variants that disrupt this residue are likely to be disease-causing. In summary, the available evidence is currently insufficient to determine the role of this variant in disease. Therefore, it has been classified as a Variant of Uncertain Significance.

Blueprint Genetics
Classification: Uncertain significance. Last evaluated: 2023-11-29. Review status: criteria provided, single submitter. Criteria: ACMG Guidelines, 2015. Collection method: clinical testing. Allele origin: germline.

Institute of Human Genetics, Univ. Regensburg, Univ. Regensburg
Classification: Uncertain significance for Retinal dystrophy. Last evaluated: 2021-01-01. Review status: no assertion criteria provided. Criteria: ACMG Guidelines, 2015. Collection method: clinical testing. Allele origin: germline. Affected: yes. Not counted in ClinVar's aggregate classification.

Literature cited by the submitters: PubMed 23288993 (cited by Labcorp Genetics (formerly Invitae), Labcorp).